The following is an entry in ClinVar:

NM_014714.4(IFT140):c.3408C>G (p.His1136Gln)

Gene: IFT140 (intraflagellar transport 140; minus strand). Cytogenetic location: 16p13.3.
Variant type: single nucleotide variant.
Coding change: c.3408C>G on transcript NM_014714.4 (MANE Select); coding-DNA position 3408, C replaced by G.
Protein change: p.His1136Gln; replaces histidine 1136 with glutamine.
Molecular consequence: missense variant.
Genome position (GRCh38, 1-based): chr16:1,523,563, G>C on the plus strand (C>G on the coding strand, the complement: IFT140 is on the minus strand). VCF-style: chr16-1523563-G-C. GRCh37 (hg19) VCF-style: chr16-1573564-G-C.
Other names: short protein forms H1136Q.
Identifiers: ClinVar variation 1521164 (VCV001521164.7), dbSNP rs374602347, ClinGen allele CA7813183.
Genomic context (GRCh38, chr16:1,523,563, plus strand): 5'-CCGCTGGCCCCGTACCTTCCTGGCAGCCAGCAGCAGCTCTACCGCCCTCTCGTACTGACT[G>C]TGCTCGATGAAGAAGTCGGAGCAGCGGGCCAGGAGCGCAGGGTCTGACGTCTCATCCAGG-3'
Protein context (NP_055529.2, residues 1126-1146): LARCSDFFIE[His1136Gln]SQYERAVELL

ClinVar aggregate classification (germline): Uncertain significance. Review status: criteria provided, multiple submitters, no conflicts (2 of 4 stars). 3 submissions from 3 submitters: Uncertain significance (3). Last evaluated 2024-01-04.

Conditions:
Retinitis pigmentosa 80 (RP80). Identifiers: MedGen C4540439, MONDO:0054708, OMIM 617781.
Saldino-Mainzer syndrome (SRTD9). Also called: CONORENAL SYNDROME; Renal dysplasia, retinal pigmentary dystrophy, cerebellar ataxia and skeletal dysplasia; short-rib thoracic dysplasia 9 with or without polydactyly; SHORT-RIB THORACIC DYSPLASIA 9 WITHOUT POLYDACTYLY. Identifiers: Orphanet 140969, MedGen C1849437, MONDO:0009964, OMIM 266920.

Allele frequency attached by ClinVar (database versions not stated): ExAC 0.00002; gnomAD 0.00004 and 0.00006; TOPMed 0.00004; ESP Exome Variant Server 0.00008.
gnomAD v4.1: 10 of 1,613,480 alleles (0.00062%); highest among the groups gnomAD compares: African/African-American, 0.013%; no homozygotes.

Submissions (3):

Fulgent Genetics
Classification: Uncertain significance for Saldino-Mainzer syndrome; Retinitis pigmentosa 80. Last evaluated: 2024-01-04. Review status: criteria provided, single submitter. Criteria: ACMG Guidelines, 2015. Collection method: clinical testing. Allele origin: germline.

Blueprint Genetics
Classification: Uncertain significance. Last evaluated: 2022-08-23. Review status: criteria provided, single submitter. Criteria: ACMG Guidelines, 2015. Collection method: clinical testing. Allele origin: germline.

Labcorp Genetics (formerly Invitae), Labcorp
Classification: Uncertain significance for Saldino-Mainzer syndrome. Last evaluated: 2022-03-12. Review status: criteria provided, single submitter. Criteria: Invitae Variant Classification Sherloc (09022015). Collection method: clinical testing. Allele origin: germline.
Comment: This sequence change replaces histidine, which is basic and polar, with glutamine, which is neutral and polar, at codon 1136 of the IFT140 protein (p.His1136Gln). This variant is present in population databases (rs374602347, gnomAD 0.01%). This variant has not been reported in the literature in individuals affected with IFT140-related conditions. Algorithms developed to predict the effect of missense changes on protein structure and function (SIFT, PolyPhen-2, Align-GVGD) all suggest that this variant is likely to be tolerated. Algorithms developed to predict the effect of sequence changes on RNA splicing suggest that this variant may create or strengthen a splice site. In summary, the available evidence is currently insufficient to determine the role of this variant in disease. Therefore, it has been classified as a Variant of Uncertain Significance.